The following is an entry in ClinVar:

NM_005862.3(STAG1):c.2521C>G (p.Gln841Glu)

Gene: STAG1 (STAG1 cohesin complex component; minus strand). Cytogenetic location: 3q22.3.
Variant type: single nucleotide variant.
Coding change: c.2521C>G on transcript NM_005862.3 (MANE Select); coding-DNA position 2521, C replaced by G.
Protein change: p.Gln841Glu; replaces glutamine 841 with glutamic acid.
Molecular consequence: missense variant.
Genome position (GRCh38, 1-based): chr3:136,369,132, G>C on the plus strand (C>G on the coding strand, the complement: STAG1 is on the minus strand). VCF-style: chr3-136369132-G-C. GRCh37 (hg19) VCF-style: chr3-136087974-G-C.
Other names: short protein forms Q841E.
Identifiers: ClinVar variation 1307089 (VCV001307089.3), dbSNP rs1007765531, ClinGen allele CA83804258.
Genomic context (GRCh38, chr3:136,369,132, plus strand): 5'-AAAAATCAATATTGACAAGATGATAGCTACAAGTACCCATGCTCTGGTTCTCCTCGTCTT[G>C]GTCAATAAAAACGTGATCCATCACAAAACTGAGGAGTTCAGATTGGAGTCCAGTATCTGG-3'
Protein context (NP_005853.2, residues 831-851): SFVMDHVFID[Gln841Glu]DEENQSMEGD

ClinVar aggregate classification (germline): Likely benign (1 of 4 stars; one submission).

Allele frequency attached by ClinVar (database versions not stated): gnomAD exomes below 0.00001; gnomAD 0.00001; TOPMed 0.00002.
gnomAD v4.1: 17 of 1,566,770 alleles (0.0011%); highest among the groups gnomAD compares: Non-Finnish European, 0.0015%; no homozygotes.

Submission:

GeneDx
Classification: Likely benign. Last evaluated: 2021-11-11. Review status: criteria provided, single submitter. Criteria: GeneDx Variant Classification Process June 2021. Collection method: clinical testing. Allele origin: germline. Affected: yes.
Comment: Has not been previously published as pathogenic or benign to our knowledge; In silico analysis supports that this missense variant does not alter protein structure/function